The following is an entry in ClinVar:

ClinVar aggregate classification (germline): Uncertain significance (1 of 4 stars; one submission).

Conditions:
Neurofibromatosis, type 1 (NF1). Also called: NEUROFIBROMATOSIS, TYPE I, SOMATIC; Peripheral type neurofibromatosis; VON RECKLINGHAUSEN DISEASE; Neurofibromatosis, type I. Identifiers: Orphanet 636, MedGen C0027831, MONDO:0018975, OMIM 162200. Disease mechanism: loss of function.

Allele frequency attached by ClinVar (database versions not stated): TOPMed below 0.00001.

Submission:

Labcorp Genetics (formerly Invitae), Labcorp
Classification: Uncertain significance for Neurofibromatosis, type 1. Last evaluated: 2022-02-17. Review status: criteria provided, single submitter. Criteria: Invitae Variant Classification Sherloc (09022015). Collection method: clinical testing. Allele origin: germline.
Comment: This sequence change replaces cysteine, which is neutral and slightly polar, with tyrosine, which is neutral and polar, at codon 2432 of the NF1 protein (p.Cys2432Tyr). This variant is not present in population databases (gnomAD no frequency). This variant has not been reported in the literature in individuals affected with NF1-related conditions. Advanced modeling of protein sequence and biophysical properties (such as structural, functional, and spatial information, amino acid conservation, physicochemical variation, residue mobility, and thermodynamic stability) performed at Invitae indicates that this missense variant is expected to disrupt NF1 protein function. In summary, the available evidence is currently insufficient to determine the role of this variant in disease. Therefore, it has been classified as a Variant of Uncertain Significance.

NM_001042492.3(NF1):c.7358G>A (p.Cys2453Tyr)

Gene: NF1 (neurofibromin 1; plus strand). Cytogenetic location: 17q11.2.
Variant type: single nucleotide variant.
Coding change: c.7358G>A on transcript NM_001042492.3 (MANE Select); coding-DNA position 7358, G replaced by A.
Protein change: p.Cys2453Tyr; replaces cysteine 2453 with tyrosine.
Molecular consequence: missense variant.
Genome position (GRCh38, 1-based): chr17:31,350,219, G>A. VCF-style: chr17-31350219-G-A. GRCh37 (hg19) VCF-style: chr17-29677237-G-A.
Other names: c.7295G>A, p.Cys2432Tyr (NM_000267.4); short protein forms C2432Y, C2453Y.
Identifiers: ClinVar variation 1965824 (VCV001965824.5), dbSNP rs1242069663, ClinGen allele CA399017016.